The following is an entry in ClinVar:

NM_001349206.2(LPIN1):c.1520G>A (p.Gly507Asp)

Gene: LPIN1 (lipin 1; plus strand). Cytogenetic location: 2p25.1.
Variant type: single nucleotide variant.
Coding change: c.1520G>A on transcript NM_001349206.2 (MANE Select); coding-DNA position 1520, G replaced by A.
Protein change: p.Gly507Asp; replaces glycine 507 with aspartic acid.
Molecular consequence: missense variant. On other transcripts: non-coding transcript variant (1).
Genome position (GRCh38, 1-based): chr2:11,785,047, G>A. VCF-style: chr2-11785047-G-A. GRCh37 (hg19) VCF-style: chr2-11925173-G-A.
Other names: c.1430G>A, p.Gly477Asp (NM_001261427.3); c.1667G>A, p.Gly556Asp (NM_001261428.3); c.1412G>A, p.Gly471Asp (NM_001349199.2, NM_001349200.2, NM_001349201.2 and 1 more transcripts); c.1517G>A, p.Gly506Asp (NM_001349202.2, NM_001349203.2); c.1520G>A, p.Gly507Asp (NM_001349204.2, NM_001349205.2); c.1610G>A, p.Gly537Asp (NM_001349207.2); c.1559G>A, p.Gly520Asp (NM_001349208.2); short protein forms G506D, G520D, G477D, G471D, G537D, G507D, G556D.
Identifiers: ClinVar variation 2155008 (VCV002155008.4), dbSNP rs772229823, ClinGen allele CA1533731.

ClinVar aggregate classification (germline): Uncertain significance (1 of 4 stars; one submission).

Allele frequency attached by ClinVar (database versions not stated): ExAC 0.00001.
gnomAD v4.1: 1 of 1,588,288 alleles (0.000063%); no homozygotes.

Submission:

Labcorp Genetics (formerly Invitae), Labcorp
Classification: Uncertain significance. Last evaluated: 2022-01-03. Review status: criteria provided, single submitter. Criteria: Invitae Variant Classification Sherloc (09022015). Collection method: clinical testing. Allele origin: germline.
Comment: Algorithms developed to predict the effect of missense changes on protein structure and function are either unavailable or do not agree on the potential impact of this missense change (SIFT: "Tolerated"; PolyPhen-2: "Probably Damaging"; Align-GVGD: "Class C0"). In summary, the available evidence is currently insufficient to determine the role of this variant in disease. Therefore, it has been classified as a Variant of Uncertain Significance. This variant has not been reported in the literature in individuals affected with LPIN1-related conditions. The frequency data for this variant in the population databases is considered unreliable, as metrics indicate poor data quality at this position in the gnomAD database. This sequence change replaces glycine, which is neutral and non-polar, with aspartic acid, which is acidic and polar, at codon 471 of the LPIN1 protein (p.Gly471Asp).